The following is an entry in ClinVar:

NM_001009944.3(PKD1):c.7657G>T (p.Val2553Leu)

Gene: PKD1 (polycystin 1, transient receptor potential channel interacting; minus strand). Cytogenetic location: 16p13.3.
Variant type: single nucleotide variant.
Coding change: c.7657G>T on transcript NM_001009944.3 (MANE Select); coding-DNA position 7657, G replaced by T.
Protein change: p.Val2553Leu; replaces valine 2553 with leucine.
Molecular consequence: missense variant.
Genome position (GRCh38, 1-based): chr16:2,106,137, C>A on the plus strand (G>T on the coding strand, the complement: PKD1 is on the minus strand). VCF-style: chr16-2106137-C-A. GRCh37 (hg19) VCF-style: chr16-2156138-C-A.
Other names: c.7657G>T, p.Val2553Leu (NM_000296.4); short protein forms V2553L.
Identifiers: ClinVar variation 3052065 (VCV003052065.2), dbSNP rs750616566, ClinGen allele CA7830991.

ClinVar aggregate classification (germline): Uncertain significance (0 of 4 stars; one submission).

Conditions:
PKD1-related disorder. Also called: PKD1-related condition.

gnomAD v4.1: 73 of 1,605,730 alleles (0.0045%); highest among the groups gnomAD compares: Non-Finnish European, 0.0059%; no homozygotes.

Submission:

PreventionGenetics, part of Exact Sciences
Classification: Uncertain significance for PKD1-related condition. Last evaluated: 2024-02-13. Review status: no assertion criteria provided. Collection method: clinical testing. Allele origin: germline.
Comment: The PKD1 c.7657G>T variant is predicted to result in the amino acid substitution p.Val2553Leu. To our knowledge, this variant has not been reported in the literature. This variant is reported in 0.0042% of alleles in individuals of European (Non-Finnish) descent in gnomAD. At this time, the clinical significance of this variant is uncertain due to the absence of conclusive functional and genetic evidence.